The following is an entry in ClinVar:

ClinVar aggregate classification (germline): Uncertain significance. Review status: criteria provided, multiple submitters, no conflicts (2 of 4 stars). 2 submissions from 2 submitters: Uncertain significance (2). Last evaluated 2025-06-27.

gnomAD v4.1: 1 of 1,565,426 alleles (0.000064%); highest among the groups gnomAD compares: Non-Finnish European, 0.000087%; no homozygotes.

Submissions (2):

Labcorp Genetics (formerly Invitae), Labcorp
Classification: Uncertain significance. Last evaluated: 2025-06-27. Review status: criteria provided, single submitter. Criteria: Invitae Variant Classification Sherloc (09022015). Collection method: clinical testing. Allele origin: germline.
Comment: This sequence change replaces isoleucine, which is neutral and non-polar, with valine, which is neutral and non-polar, at codon 95 of the MS4A1 protein (p.Ile95Val). This variant is not present in population databases (gnomAD no frequency). This variant has not been reported in the literature in individuals affected with MS4A1-related conditions. ClinVar contains an entry for this variant (Variation ID: 3296166). An algorithm developed to predict the effect of missense changes on protein structure and function (PolyPhen-2) suggests that this variant is likely to be disruptive. In summary, the available evidence is currently insufficient to determine the role of this variant in disease. Therefore, it has been classified as a Variant of Uncertain Significance.

Ambry Genetics
Classification: Uncertain significance. Last evaluated: 2024-04-01. Review status: criteria provided, single submitter. Criteria: Ambry Variant Classification Scheme 2023. Collection method: clinical testing. Allele origin: germline.

NM_152866.3(MS4A1):c.283A>G (p.Ile95Val)

Gene: MS4A1 (membrane spanning 4-domains A1; plus strand). Cytogenetic location: 11q12.2.
Variant type: single nucleotide variant.
Coding change: c.283A>G on transcript NM_152866.3 (MANE Select); coding-DNA position 283, A replaced by G.
Protein change: p.Ile95Val; replaces isoleucine 95 with valine.
Molecular consequence: missense variant.
Genome position (GRCh38, 1-based): chr11:60,464,291, A>G. VCF-style: chr11-60464291-A-G. GRCh37 (hg19) VCF-style: chr11-60231764-A-G.
Other names: c.283A>G, p.Ile95Val (NM_021950.4, NM_152867.2); short protein forms I95V.
Identifiers: ClinVar variation 3296166 (VCV003296166.2).
Genomic context (GRCh38, chr11:60,464,291, plus strand): 5'-CTCTATCTCCTGTCTTGCCCACCCCCTCTCCATCTCCCCCACCTCTCTTTTTTACAGTAT[A>G]TTATTTCCGGATCACTCCTGGCAGCAACGGAGAAAAACTCCAGGAAGTGTTTGGCAAGTA-3'
Protein context (NP_690605.1, residues 85-105): WYPLWGGIMY[Ile95Val]ISGSLLAATE